The following is an entry in ClinVar:

NM_000426.4(LAMA2):c.2357A>C (p.Asp786Ala)

Gene: LAMA2 (laminin subunit alpha 2; plus strand). Cytogenetic location: 6q22.33.
Variant type: single nucleotide variant.
Coding change: c.2357A>C on transcript NM_000426.4 (MANE Select); coding-DNA position 2357, A replaced by C.
Protein change: p.Asp786Ala; replaces aspartic acid 786 with alanine.
Molecular consequence: missense variant.
Genome position (GRCh38, 1-based): chr6:129,270,658, A>C. VCF-style: chr6-129270658-A-C. GRCh37 (hg19) VCF-style: chr6-129591803-A-C.
Other names: c.2357A>C, p.Asp786Ala (NM_001079823.2); short protein forms D786A.
Identifiers: ClinVar variation 1961705 (VCV001961705.2), dbSNP rs2482210143, ClinGen allele CA365609052.

ClinVar aggregate classification (germline): Uncertain significance (1 of 4 stars; one submission).

Conditions:
LAMA2-related muscular dystrophy (LAMA2-RD). Also called: Laminin alpha 2-related dystrophy. Identifiers: MedGen C5679788, MONDO:0100228.

Submission:

Labcorp Genetics (formerly Invitae), Labcorp
Classification: Uncertain significance for LAMA2-related muscular dystrophy. Last evaluated: 2021-08-14. Review status: criteria provided, single submitter. Criteria: Invitae Variant Classification Sherloc (09022015). Collection method: clinical testing. Allele origin: germline.
Comment: This sequence change replaces aspartic acid with alanine at codon 786 of the LAMA2 protein (p.Asp786Ala). The aspartic acid residue is weakly conserved and there is a moderate physicochemical difference between aspartic acid and alanine. This variant is not present in population databases (ExAC no frequency). This variant has not been reported in the literature in individuals affected with LAMA2-related conditions. Advanced modeling of protein sequence and biophysical properties (such as structural, functional, and spatial information, amino acid conservation, physicochemical variation, residue mobility, and thermodynamic stability) performed at Invitae indicates that this missense variant is not expected to disrupt LAMA2 protein function. In summary, the available evidence is currently insufficient to determine the role of this variant in disease. Therefore, it has been classified as a Variant of Uncertain Significance.